The following is an entry in ClinVar:

ClinVar aggregate classification (germline): Benign. Review status: criteria provided, multiple submitters, no conflicts (2 of 4 stars). 7 submissions from 7 submitters: Benign (5). 2 of the submissions do not count toward it. Last evaluated 2025-04-09.

Allele frequency attached by ClinVar (database versions not stated): ESP Exome Variant Server 0.97247; 1000 Genomes Project 30x 0.97267; TOPMed 0.97299; gnomAD 0.97439 and 0.97609; 1000 Genomes Project 0.97504; ExAC 0.99256; gnomAD exomes 0.99409 and 0.99769.
gnomAD v4.1: 1,602,940 of 1,610,136 alleles (100%); highest among the groups gnomAD compares: East Asian, 100%; 798,165 homozygotes.

Submissions (7):

Molecular Diagnostic Laboratory for Inherited Cardiovascular Disease, Montreal Heart Institute
Classification: Benign. Last evaluated: 2025-04-09. Review status: criteria provided, single submitter. Criteria: ACMG Guidelines, 2015. Collection method: clinical testing. Allele origin: germline. Affected: no.

Blueprint Genetics
Classification: Benign. Last evaluated: 2024-11-26. Review status: criteria provided, single submitter. Criteria: ACMG Guidelines, 2015. Collection method: clinical testing. Allele origin: germline.

GeneDx
Classification: Benign. Last evaluated: 2014-01-21. Review status: criteria provided, single submitter. Criteria: GeneDx Variant Classification (06012015). Collection method: clinical testing. Allele origin: germline. Affected: yes.
Comment: This variant is considered likely benign or benign based on one or more of the following criteria: it is a conservative change, it occurs at a poorly conserved position in the protein, it is predicted to be benign by multiple in silico algorithms, and/or has population frequency not consistent with disease.

Laboratory for Molecular Medicine, Mass General Brigham Personalized Medicine
Classification: Benign. Last evaluated: 2011-09-16. Review status: criteria provided, single submitter. Criteria: LMM Criteria. Collection method: clinical testing. Allele origin: germline. Observed: 1,621 variant alleles.

Breakthrough Genomics
Classification: Benign. Review status: criteria provided, single submitter. Criteria: ACMG Guidelines, 2015. Collection method: not provided. Allele origin: germline. Inheritance: Autosomal recessive inheritance. Affected: yes.

Clinical Genetics, Academic Medical Center
Classification: Benign. Review status: no assertion criteria provided. Collection method: clinical testing. Allele origin: germline. Affected: yes. Study: VKGL Data-share Consensus. Not counted in ClinVar's aggregate classification.

Diagnostic Laboratory, Department of Genetics, University Medical Center Groningen
Classification: Benign. Review status: no assertion criteria provided. Collection method: clinical testing. Allele origin: germline. Affected: yes. Study: VKGL Data-share Consensus. Not counted in ClinVar's aggregate classification.

NM_133379.5(TTN):c.11133A>G (p.Thr3711=)

Gene: TTN (titin; minus strand). Cytogenetic location: 2q31.2.
Variant type: single nucleotide variant.
Coding change: c.11133A>G on transcript NM_133379.5; coding-DNA position 11133, A replaced by G.
Protein change: p.Thr3711=; no amino-acid change (threonine 3711 retained).
Molecular consequence: synonymous variant. On other transcripts: intron variant (6).
Genome position (GRCh38, 1-based): chr2:178,751,267, T>C on the plus strand (A>G on the coding strand, the complement: TTN is on the minus strand). VCF-style: chr2-178751267-T-C. GRCh37 (hg19) VCF-style: chr2-179615994-T-C.
Other names: p.T3711T:ACA>ACG; c.10222+1857A>G (NM_003319.4); c.10798+1857A>G (NM_133437.4); c.10360+1857A>G (NM_133378.4, NM_001256850.1); c.11311+1857A>G (NM_001267550.2); c.11133A>G (NM_133379.4); c.10597+1857A>G (NM_133432.3).
Identifiers: ClinVar variation 47733 (VCV000047733.13), dbSNP rs922986, ClinGen allele CA284431.